The following is an entry in ClinVar:

NM_004656.4(BAP1):c.2156A>G (p.Lys719Arg)

Gene: BAP1 (BRCA1 associated deubiquitinase 1; minus strand). Cytogenetic location: 3p21.1.
Variant type: single nucleotide variant.
Coding change: c.2156A>G on transcript NM_004656.4 (MANE Select); coding-DNA position 2156, A replaced by G.
Protein change: p.Lys719Arg; replaces lysine 719 with arginine.
Molecular consequence: missense variant.
Genome position (GRCh38, 1-based): chr3:52,402,322, T>C on the plus strand (A>G on the coding strand, the complement: BAP1 is on the minus strand). VCF-style: chr3-52402322-T-C. GRCh37 (hg19) VCF-style: chr3-52436338-T-C.
Other names: c.2102A>G, p.Lys701Arg (NM_001410772.1); short protein forms K719R, K701R.
Identifiers: ClinVar variation 4741073 (VCV004741073.1).

ClinVar aggregate classification (germline): Uncertain significance (1 of 4 stars; one submission).

Conditions:
BAP1-related tumor predisposition syndrome (TPDS1). Also called: TUMOR PREDISPOSITION SYNDROME 1; BAP1 tumor predisposition syndrome; Tumor susceptibility linked to germline BAP1 mutations; COMMON Syndrome. Identifiers: Orphanet 289539, MedGen C3280492, MONDO:0013692, OMIM 614327.

gnomAD v4.1: 1 of 1,595,686 alleles (0.000063%); highest among the groups gnomAD compares: South Asian, 0.0011%; no homozygotes.

Submission:

Labcorp Genetics (formerly Invitae), Labcorp
Classification: Uncertain significance for BAP1-related tumor predisposition syndrome. Last evaluated: 2025-09-10. Review status: criteria provided, single submitter. Criteria: Invitae Variant Classification Sherloc (09022015). Collection method: clinical testing. Allele origin: germline.
Comment: This sequence change replaces lysine, which is basic and polar, with arginine, which is basic and polar, at codon 719 of the BAP1 protein (p.Lys719Arg). This variant is not present in population databases (gnomAD no frequency). This variant has not been reported in the literature in individuals affected with BAP1-related conditions. Invitae Evidence Modeling of protein sequence and biophysical properties (such as structural, functional, and spatial information, amino acid conservation, physicochemical variation, residue mobility, and thermodynamic stability) indicates that this missense variant is not expected to disrupt BAP1 protein function with a negative predictive value of 80%. In summary, the available evidence is currently insufficient to determine the role of this variant in disease. Therefore, it has been classified as a Variant of Uncertain Significance.